The following is an entry in ClinVar:

ClinVar aggregate classification (germline): Benign/Likely benign. Review status: criteria provided, multiple submitters, no conflicts (2 of 4 stars). 10 submissions from 10 submitters: Benign (2); Likely benign (5). 3 of the submissions do not count toward it. Last evaluated 2025-10-22.

Conditions:
Cardiovascular phenotype. Identifiers: MedGen CN230736.
Myofibrillar myopathy 4. Also called: Zaspopathy (type). Identifiers: Orphanet 98912, MedGen C4721886, MONDO:0012277, OMIM 609452.

Allele frequency attached by ClinVar (database versions not stated): gnomAD 0.00001 and 0.00005; TOPMed 0.00005; gnomAD exomes 0.00010 and 0.00015; ExAC 0.00021; 1000 Genomes Project 0.00080; 1000 Genomes Project 30x 0.00109.
gnomAD v4.1: 159 of 1,612,932 alleles (0.0099%); highest among the groups gnomAD compares: Middle Eastern, 0.17%; 1 homozygote.

Submissions (10):

Labcorp Genetics (formerly Invitae), Labcorp
Classification: Benign for Myofibrillar myopathy 4. Last evaluated: 2025-10-22. Review status: criteria provided, single submitter. Criteria: Invitae Variant Classification Sherloc (09022015). Collection method: clinical testing. Allele origin: germline.

Blueprint Genetics
Classification: Likely benign. Last evaluated: 2024-08-01. Review status: criteria provided, single submitter. Criteria: ACMG Guidelines, 2015. Collection method: clinical testing. Allele origin: germline.

Women's Health and Genetics/Laboratory Corporation of America, LabCorp
Classification: Benign. Last evaluated: 2022-03-19. Review status: criteria provided, single submitter. Criteria: LabCorp Variant Classification Summary - May 2015. Collection method: clinical testing. Allele origin: germline.

GeneDx
Classification: Likely benign. Last evaluated: 2021-09-08. Review status: criteria provided, single submitter. Criteria: GeneDx Variant Classification Process June 2021. Collection method: clinical testing. Allele origin: germline. Affected: yes.

Ambry Genetics
Classification: Likely benign for Cardiovascular phenotype. Last evaluated: 2021-03-30. Review status: criteria provided, single submitter. Criteria: Ambry Variant Classification Scheme 2023. Collection method: clinical testing. Allele origin: germline.

Laboratory for Molecular Medicine, Mass General Brigham Personalized Medicine
Classification: Likely benign. Last evaluated: 2015-03-12. Review status: criteria provided, single submitter. Criteria: LMM Criteria. Collection method: clinical testing. Allele origin: germline. Observed: 2 variant alleles.
Comment: p.Cys697Cys in exon 15 of LDB3: This variant is not expected to have clinical si gnificance because it does not alter an amino acid residue and is not located wi thin the splice consensus sequence. It has been identified in 0.1% (22/16038) of South Asian chromosomes by the Exome Aggregation Consortium (ExAC.; dbSNP rs571356142).

Breakthrough Genomics
Classification: Likely benign. Review status: criteria provided, single submitter. Criteria: ACMG Guidelines, 2015. Collection method: not provided. Allele origin: germline. Inheritance: Autosomal dominant inheritance. Affected: yes.

Clinical Genetics DNA and cytogenetics Diagnostics Lab, Erasmus MC, Erasmus Medical Center
Classification: Likely benign. Review status: no assertion criteria provided. Collection method: clinical testing. Allele origin: germline. Affected: yes. Study: VKGL Data-share Consensus. Not counted in ClinVar's aggregate classification.

Clinical Genetics, Academic Medical Center
Classification: Likely benign. Review status: no assertion criteria provided. Collection method: clinical testing. Allele origin: germline. Affected: yes. Study: VKGL Data-share Consensus. Not counted in ClinVar's aggregate classification.

Genome Diagnostics Laboratory, University Medical Center Utrecht
Classification: Likely benign. Review status: no assertion criteria provided. Collection method: clinical testing. Allele origin: germline. Affected: yes. Study: VKGL Data-share Consensus. Not counted in ClinVar's aggregate classification.

NM_007078.3(LDB3):c.2091C>T (p.Cys697=)

Gene: LDB3 (LIM domain binding 3; plus strand). Cytogenetic location: 10q23.2.
Variant type: single nucleotide variant.
Coding change: c.2091C>T on transcript NM_007078.3 (MANE Select); coding-DNA position 2091, C replaced by T.
Protein change: p.Cys697=; no amino-acid change (cysteine 697 retained).
Molecular consequence: synonymous variant.
Genome position (GRCh38, 1-based): chr10:86,726,249, C>T. VCF-style: chr10-86726249-C-T. GRCh37 (hg19) VCF-style: chr10-88486006-C-T.
Other names: c.1761C>T, p.Cys587= (NM_001080114.2); c.2106C>T, p.Cys702= (NM_001171610.2); c.1902C>T, p.Cys634= (NM_001368064.1, NM_001368065.1); c.1950C>T, p.Cys650= (NM_001368066.1).
Identifiers: ClinVar variation 179942 (VCV000179942.22), dbSNP rs571356142, ClinGen allele CA185476.